The following is an entry in ClinVar:

ClinVar aggregate classification (germline): Uncertain significance (1 of 4 stars; one submission).

Submission:

GeneDx
Classification: Uncertain significance. Last evaluated: 2024-04-22. Review status: criteria provided, single submitter. Criteria: GeneDx Variant Classification Process June 2021. Collection method: clinical testing. Allele origin: germline. Affected: yes.
Comment: Not observed at significant frequency in large population cohorts (gnomAD); In silico analysis supports that this missense variant has a deleterious effect on protein structure/function; Has not been previously published as pathogenic or benign to our knowledge

NM_001395656.1(ROBO2):c.459G>T (p.Glu153Asp)

Gene: ROBO2 (roundabout guidance receptor 2; plus strand). Cytogenetic location: 3p12.3.
Variant type: single nucleotide variant.
Coding change: c.459G>T on transcript NM_001395656.1 (MANE Select); coding-DNA position 459, G replaced by T.
Protein change: p.Glu153Asp; replaces glutamic acid 153 with aspartic acid.
Molecular consequence: missense variant. On other transcripts: 5 prime UTR variant (1).
Genome position (GRCh38, 1-based): chr3:77,477,484, G>T. VCF-style: chr3-77477484-G-T. GRCh37 (hg19) VCF-style: chr3-77526635-G-T.
Other names: c.507G>T, p.Glu169Asp (NM_001128929.3, NM_001378190.1, NM_001378191.1 and 5 more transcripts); c.459G>T, p.Glu153Asp (NM_001290039.2, NM_001290040.2, NM_001378193.1 and 3 more transcripts); c.-1460G>T (NM_001290065.2); c.528G>T, p.Glu176Asp (NM_001378192.1, NM_001378194.1, NM_001378198.1 and 5 more transcripts); short protein forms E153D, E169D, E176D.
Identifiers: ClinVar variation 3372918 (VCV003372918.1).